The following is an entry in ClinVar:

NM_020207.7(ERCC6L2):c.3326A>G (p.Asp1109Gly)

Gene: ERCC6L2 (ERCC excision repair 6 like 2; plus strand). Cytogenetic location: 9q22.32.
Variant type: single nucleotide variant.
Coding change: c.3326A>G on transcript NM_020207.7 (MANE Select); coding-DNA position 3326, A replaced by G.
Protein change: p.Asp1109Gly; replaces aspartic acid 1109 with glycine.
Molecular consequence: missense variant. On other transcripts: non-coding transcript variant (1).
Genome position (GRCh38, 1-based): chr9:95,973,077, A>G. VCF-style: chr9-95973077-A-G. GRCh37 (hg19) VCF-style: chr9-98735359-A-G.
Other names: c.3326A>G, p.Asp1109Gly (NM_001375291.1, NM_001375292.1, NM_001375293.1 and 1 more transcripts); short protein forms D1109G.
Identifiers: ClinVar variation 2047660 (VCV002047660.5), dbSNP rs532472512, ClinGen allele CA5139881.

ClinVar aggregate classification (germline): Uncertain significance. Review status: criteria provided, multiple submitters, no conflicts (2 of 4 stars). 2 submissions from 2 submitters: Uncertain significance (2). Last evaluated 2024-02-24.

Allele frequency attached by ClinVar (database versions not stated): ExAC 0.00001; gnomAD 0.00001; gnomAD exomes 0.00001; 1000 Genomes Project 30x 0.00016; 1000 Genomes Project 0.00020.
gnomAD v4.1: 14 of 1,334,722 alleles (0.001%); highest among the groups gnomAD compares: South Asian, 0.017%; no homozygotes.

Submissions (2):

Labcorp Genetics (formerly Invitae), Labcorp
Classification: Uncertain significance. Last evaluated: 2024-02-24. Review status: criteria provided, single submitter. Criteria: Invitae Variant Classification Sherloc (09022015). Collection method: clinical testing. Allele origin: germline.
Comment: This sequence change replaces aspartic acid, which is acidic and polar, with glycine, which is neutral and non-polar, at codon 1120 of the ERCC6L2 protein (p.Asp1120Gly). The frequency data for this variant in the population databases is considered unreliable, as metrics indicate poor data quality at this position in the gnomAD database. This variant has not been reported in the literature in individuals affected with ERCC6L2-related conditions. ClinVar contains an entry for this variant (Variation ID: 2047660). Experimental studies and prediction algorithms are not available or were not evaluated, and the functional significance of this variant is currently unknown. In summary, the available evidence is currently insufficient to determine the role of this variant in disease. Therefore, it has been classified as a Variant of Uncertain Significance.

Blueprint Genetics
Classification: Uncertain significance. Last evaluated: 2022-10-14. Review status: criteria provided, single submitter. Criteria: ACMG Guidelines, 2015. Collection method: clinical testing. Allele origin: germline.